The following is an entry in ClinVar:

ClinVar aggregate classification (germline): Likely benign. Review status: criteria provided, multiple submitters, no conflicts (2 of 4 stars). 3 submissions from 3 submitters: Likely benign (2). 1 of the submissions does not count toward it. Last evaluated 2025-11-12.

Conditions:
PRPF6-related disorder. Also called: PRPF6-related condition.

Allele frequency attached by ClinVar (database versions not stated): ExAC 0.00002; gnomAD exomes 0.00002; TOPMed 0.00003; gnomAD 0.00005 and 0.00006; ESP Exome Variant Server 0.00015.
gnomAD v4.1: 206 of 1,614,106 alleles (0.013%); highest among the groups gnomAD compares: Non-Finnish European, 0.017%; no homozygotes.

Submissions (3):

Labcorp Genetics (formerly Invitae), Labcorp
Classification: Likely benign. Last evaluated: 2025-11-12. Review status: criteria provided, single submitter. Criteria: Invitae Variant Classification Sherloc (09022015). Collection method: clinical testing. Allele origin: germline.

Blueprint Genetics
Classification: Likely benign. Last evaluated: 2024-07-12. Review status: criteria provided, single submitter. Criteria: ACMG Guidelines, 2015. Collection method: clinical testing. Allele origin: germline.

PreventionGenetics, part of Exact Sciences
Classification: Likely benign for PRPF6-related condition. Last evaluated: 2019-11-11. Review status: no assertion criteria provided. Collection method: clinical testing. Allele origin: germline. Not counted in ClinVar's aggregate classification.
Comment: This variant is classified as likely benign based on ACMG/AMP sequence variant interpretation guidelines (Richards et al. 2015 PMID: 25741868, with internal and published modifications).

NM_012469.4(PRPF6):c.2484C>G (p.Thr828=)

Gene: PRPF6 (pre-mRNA processing factor 6; plus strand). Cytogenetic location: 20q13.33.
Variant type: single nucleotide variant.
Coding change: c.2484C>G on transcript NM_012469.4 (MANE Select); coding-DNA position 2484, C replaced by G.
Protein change: p.Thr828=; no amino-acid change (threonine 828 retained).
Molecular consequence: synonymous variant.
Genome position (GRCh38, 1-based): chr20:64,029,429, C>G. VCF-style: chr20-64029429-C-G. GRCh37 (hg19) VCF-style: chr20-62660782-C-G.
Identifiers: ClinVar variation 729366 (VCV000729366.13), dbSNP rs370451981, ClinGen allele CA9972499.
Genomic context (GRCh38, chr20:64,029,429, plus strand): 5'-AATTATAGGTATCCTGTGGTCTGAGGCCATCTTCCTCGAGGCAAGGCCCCAGAGGAGGAC[C>G]AAGAGCGTGGATGCCCTGAAGAAGTGTGAGCATGACCCCCATGTGCTCCTGGCCGTGGCC-3'
Protein context (NP_036601.2, residues 818-838): IFLEARPQRR[Thr828=]KSVDALKKCE